The following is an entry in ClinVar:

NM_001065.4(TNFRSF1A):c.1058-5C>A

Gene: TNFRSF1A (TNF receptor superfamily member 1A; minus strand). Cytogenetic location: 12p13.31.
Variant type: single nucleotide variant.
Coding change: c.1058-5C>A on transcript NM_001065.4 (MANE Select); 5 bases into the intron before coding-DNA position 1058, C replaced by A.
Molecular consequence: intron variant.
Genome position (GRCh38, 1-based): chr12:6,329,627, G>T on the plus strand (C>A on the coding strand, the complement: TNFRSF1A is on the minus strand). VCF-style: chr12-6329627-G-T. GRCh37 (hg19) VCF-style: chr12-6438793-G-T.
Other names: c.734-5C>A (NM_001346091.2); c.599-5C>A (NM_001346092.2).
Identifiers: ClinVar variation 4744600 (VCV004744600.1).

ClinVar aggregate classification (germline): Uncertain significance (1 of 4 stars; one submission).

Conditions:
TNF receptor-associated periodic fever syndrome (TRAPS) (FPF). Also called: FAMILIAL HIBERNIAN FEVER; TNF RECEPTOR-ASSOCIATED PERIODIC SYNDROME; TUMOR NECROSIS FACTOR RECEPTOR-ASSOCIATED PERIODIC SYNDROME; Autosomal Dominant Familial Periodic Fever; TNF Receptor-Associated Periodic Fever Syndrome; TNF receptor 1-associated periodic fever syndrome. Identifiers: Orphanet 32960, MedGen C1275126, MONDO:0007727, OMIM 142680.

Submission:

Labcorp Genetics (formerly Invitae), Labcorp
Classification: Uncertain significance for TNF receptor-associated periodic fever syndrome (TRAPS). Last evaluated: 2025-03-19. Review status: criteria provided, single submitter. Criteria: Invitae Variant Classification Sherloc (09022015). Collection method: clinical testing. Allele origin: germline.
Comment: This sequence change falls in intron 9 of the TNFRSF1A gene. It does not directly change the encoded amino acid sequence of the TNFRSF1A protein. This variant is not present in population databases (gnomAD no frequency). This variant has not been reported in the literature in individuals affected with TNFRSF1A-related conditions. Algorithms developed to predict the effect of sequence changes on RNA splicing suggest that this variant may create or strengthen a splice site. In summary, the available evidence is currently insufficient to determine the role of this variant in disease. Therefore, it has been classified as a Variant of Uncertain Significance.